The following is an entry in ClinVar:

NM_021222.3(PRUNE1):c.316G>A (p.Asp106Asn)

Gene: PRUNE1 (prune exopolyphosphatase 1; plus strand). Cytogenetic location: 1q21.3.
Variant type: single nucleotide variant.
Coding change: c.316G>A on transcript NM_021222.3 (MANE Select); coding-DNA position 316, G replaced by A.
Protein change: p.Asp106Asn; replaces aspartic acid 106 with asparagine.
Molecular consequence: missense variant. On other transcripts: synonymous variant (1), intron variant (1).
Genome position (GRCh38, 1-based): chr1:151,018,650, G>A. VCF-style: chr1-151018650-G-A. GRCh37 (hg19) VCF-style: chr1-150991126-G-A.
Other names: c.316G>A, p.Asp106Asn (NM_001303242.2); c.57G>A, p.Ser19= (NM_001303243.2); c.-212+746G>A (NM_001303229.2); short protein forms D106N.
Identifiers: ClinVar variation 402131 (VCV000402131.67), dbSNP rs773618224, ClinGen allele CA1083736.

ClinVar aggregate classification (germline): Pathogenic/Likely pathogenic. Review status: criteria provided, multiple submitters, no conflicts (2 of 4 stars). 16 submissions from 16 submitters: Pathogenic (13); Likely pathogenic (1). 2 of the submissions do not count toward it. Last evaluated 2025-03-21.

Conditions:
Abnormal brain morphology. Also called: Abnormality of brain morphology. Identifiers: MedGen C4021085, HP:0012443.
PRUNE1-related disorder. Also called: PRUNE1-related condition.
Neurodevelopmental disorder with microcephaly, hypotonia, and variable brain anomalies (NMIHBA). Identifiers: Orphanet 544469, MedGen C4479566, MONDO:0060490, OMIM 617481.

Allele frequency attached by ClinVar (database versions not stated): gnomAD exomes 0.00005 and 0.00002; gnomAD 0.00001 and 0.00003; TOPMed 0.00001; ExAC 0.00004.
gnomAD v4.1: 41 of 1,613,838 alleles (0.0025%); highest among the groups gnomAD compares: Middle Eastern, 0.016%; no homozygotes.

Submissions (16):

Labcorp Genetics (formerly Invitae), Labcorp
Classification: Pathogenic. Last evaluated: 2025-03-21. Review status: criteria provided, single submitter. Criteria: Invitae Variant Classification Sherloc (09022015). Collection method: clinical testing. Allele origin: germline.
Comment: This sequence change replaces aspartic acid, which is acidic and polar, with asparagine, which is neutral and polar, at codon 106 of the PRUNE1 protein (p.Asp106Asn). This variant is present in population databases (rs773618224, gnomAD 0.02%). This missense change has been observed in individual(s) with PRUNE1-related neurodevelopmental conditions (PMID: 26539891, 28334956, 29797509). In at least one individual the data is consistent with being in trans (on the opposite chromosome) from a pathogenic variant. It has also been observed to segregate with disease in related individuals. ClinVar contains an entry for this variant (Variation ID: 402131). Invitae Evidence Modeling of protein sequence and biophysical properties (such as structural, functional, and spatial information, amino acid conservation, physicochemical variation, residue mobility, and thermodynamic stability) indicates that this missense variant is not expected to disrupt PRUNE1 protein function with a negative predictive value of 80%. For these reasons, this variant has been classified as Pathogenic.

Genomic Medicine Center of Excellence, King Faisal Specialist Hospital and Research Centre
Classification: Pathogenic for Neurodevelopmental disorder with microcephaly, hypotonia, and variable brain anomalies. Last evaluated: 2024-03-14. Review status: criteria provided, single submitter. Criteria: ACMG Guidelines, 2015. Collection method: research. Allele origin: germline.

Blueprint Genetics
Classification: Pathogenic for PRUNE1-related disorders. Last evaluated: 2023-12-27. Review status: criteria provided, single submitter. Criteria: ACMG Guidelines, 2015. Collection method: clinical testing. Allele origin: germline. Affected: yes. Observed: 5 variant alleles.

Provincial Medical Genetics Program of British Columbia, University of British Columbia
Classification: Pathogenic for Neurodevelopmental disorder with microcephaly, hypotonia, and variable brain anomalies. Last evaluated: 2022-01-01. Review status: criteria provided, single submitter. Criteria: ACMG Guidelines, 2015. Collection method: clinical testing. Allele origin: biparental. Affected: yes.

Institute of Medical Genetics and Applied Genomics, University Hospital Tübingen
Classification: Pathogenic. Last evaluated: 2021-06-17. Review status: criteria provided, single submitter. Criteria: ACMG Guidelines, 2015. Collection method: clinical testing. Allele origin: germline. Inheritance: Autosomal recessive inheritance. Affected: yes.

Genomic Research Center, Shahid Beheshti University of Medical Sciences
Classification: Pathogenic for Neurodevelopmental disorder with microcephaly, hypotonia, and variable brain anomalies. Last evaluated: 2020-05-03. Review status: criteria provided, single submitter. Criteria: ACMG Guidelines, 2015. Collection method: clinical testing. Allele origin: unknown. Affected: yes.

Institute of Human Genetics Munich, TUM University Hospital
Classification: Pathogenic for Neurodevelopmental disorder with microcephaly, hypotonia, and variable brain anomalies. Last evaluated: 2020-01-16. Review status: criteria provided, single submitter. Criteria: Classification criteria August 2017. Collection method: clinical testing. Allele origin: inherited. Inheritance: Autosomal recessive inheritance. Affected: yes. Observed: 3 homozygotes. Clinical features observed: Abnormal basal ganglia MRI signal intensity (HP:0012751), Dystonic disorder (HP:0001332), Epileptic encephalopathy (HP:0200134), Abnormal brainstem MRI signal intensity (HP:0012747), Spasticity (HP:0001257), Focal clonic seizure (HP:0002266), Global developmental delay (HP:0001263).

Institute of Human Genetics, University of Leipzig Medical Center
Classification: Pathogenic for Neurodevelopmental disorder with microcephaly, hypotonia, and variable brain anomalies. Last evaluated: 2019-10-29. Review status: criteria provided, single submitter. Criteria: ACMG Guidelines, 2015. Collection method: clinical testing. Allele origin: germline. Affected: yes.

Equipe Genetique des Anomalies du Developpement, Université de Bourgogne
Classification: Pathogenic for Neurodevelopmental disorder with microcephaly, hypotonia, and variable brain anomalies. Last evaluated: 2018-05-09. Review status: criteria provided, single submitter. Criteria: ACMG Guidelines, 2015. Collection method: clinical testing. Allele origin: inherited. Affected: yes. Observed: 2 heterozygotes, 1 homozygote.
Comment: Observed as a homozygote.

CeGaT Center for Human Genetics Tuebingen
Classification: Pathogenic. Last evaluated: 2018-05-01. Review status: criteria provided, single submitter. Criteria: CeGaT Center For Human Genetics Tuebingen Variant Classification Criteria Version 2. Collection method: clinical testing. Allele origin: germline. Affected: yes. Observed: 2 variant alleles.

CENTOGENE GmbH and LLC - Guiding Precision Medicine
Classification: Pathogenic for Neurodevelopmental disorder with microcephaly, hypotonia, and variable brain anomalies. Last evaluated: 2018-01-09. Review status: criteria provided, single submitter. Criteria: ACMG Guidelines, 2015. Collection method: clinical testing. Allele origin: germline. Affected: yes.

Juno Genomics, Hangzhou Juno Genomics, Inc
Classification: Pathogenic for Neurodevelopmental disorder with microcephaly, hypotonia, and variable brain anomalies. Review status: criteria provided, single submitter. Criteria: ACMG Guidelines, 2015. Collection method: clinical testing. Allele origin: germline. Affected: yes.
Comment: Absent from controls (or at extremely low frequency if recessive) in Genome Aggregation Database, Exome Sequencing Project, 1000 Genomes Project, or Exome Aggregation Consortium.;Well-established in vitro or in vivo functional studies supportive of a damaging effect on the gene or gene product.;For recessive disorders, detected in trans with a pathogenic variant.

Lupski Lab, Baylor-Hopkins CMG, Baylor College of Medicine
Classification: Likely pathogenic for Abnormal brain morphology. Review status: criteria provided, single submitter. Criteria: Karaca et al. (Neuron 2015). Collection method: research. Allele origin: inherited. Inheritance: Autosomal recessive inheritance. Affected: yes.
Comment: There are 3 more families with similar phenotype

Neuberg Centre For Genomic Medicine, NCGM
Classification: Pathogenic for Neurodevelopmental disorder with microcephaly, hypotonia, and variable brain anomalies. Review status: criteria provided, single submitter. Criteria: ACMG Guidelines, 2015. Collection method: clinical testing. Allele origin: germline. Inheritance: Autosomal recessive inheritance. Affected: yes.
Comment: The missense variant c.316G>A (p.Asp106Asn) in PRUNE1 gene has been reported to be homozygous in several individuals with syndromic intellectual disability (Karaca E et.al.,2015). Experimental studies show that missense change affect PRUNE1 function (Zollo M et.al .,2017). This variant has been reported to the ClinVar database as Pathogenic/Likely Pathogenic. The p.Asp106Asn variant is novel (not in any individuals) in 1000 Genomes and allele frequency of 0.00005177% is reported in gnomAD. The amino acid Asp at position 106 is changed to a Asn changing protein sequence and it might alter its composition and physico-chemical properties. For these reasons, this variant has been classified as Pathogenic.

OMIM
Classification: Pathogenic for NEURODEVELOPMENTAL DISORDER WITH MICROCEPHALY, HYPOTONIA, AND VARIABLE BRAIN ANOMALIES. Last evaluated: 2022-10-21. Review status: no assertion criteria provided. Collection method: literature only. Allele origin: germline. Not counted in ClinVar's aggregate classification.

Hong-Tao Li Lab, Institute of Brain Science and Brain-inspired Research, Shandong First Medical University & Shandong Academy of Medical Sciences China
Classification: Pathogenic for Neurodevelopmental disorder with microcephaly, hypotonia, and variable brain anomalies. Review status: no assertion criteria provided. Collection method: research. Allele origin: germline. Inheritance: Autosomal recessive inheritance. Affected: yes. Observed: 1 variant allele, 1 homozygote. Not counted in ClinVar's aggregate classification.
Comment: Observed in affected individuals from a Pakistani neurodevelopmental-disorder research cohort of 263 individuals. Classification assigned using the ACMG/AMP framework. Population-frequency evidence: gnomAD AF 5.177e-05.

Literature cited by the submitters: PubMed 26539891 (cited by Labcorp Genetics (formerly Invitae), Labcorp and OMIM); PubMed 28334956 (cited by Labcorp Genetics (formerly Invitae), Labcorp and OMIM); PubMed 29797509 (cited by Labcorp Genetics (formerly Invitae), Labcorp and OMIM); PubMed 29940663 (cited by OMIM).